The following continues an entry in ClinVar:

NM_000188.3(HK1):c.2539G>A (p.Glu847Lys)

Gene: HK1. ClinVar aggregate classification (germline): Pathogenic/Likely pathogenic. Pathogenic (8); Likely pathogenic (6).

Submissions 14 to 16 of 16:

Broad Center for Mendelian Genomics, Broad Institute of MIT and Harvard
Classification: Likely pathogenic for Retinitis pigmentosa 79. Last evaluated: 2018-12-03. Review status: criteria provided, single submitter. Criteria: ACMG Guidelines, 2015. Collection method: research. Allele origin: germline. Inheritance: Autosomal dominant inheritance. Affected: yes.
Comment: The heterozygous p.Glu851Lys variant in HK1 was identified by our study in two siblings and their parent, all with Retinitis Pigmentosa. This variant has been identified in 0.001219% (3/246124) of chromosomes and by the Genome Aggregation Database (gnomAD; dbSNP rs777849213). Please note that for diseases like Retinitis Pigmentosa with clinical variability, or reduced penetrance, pathogenic variants may be present at a low frequency in the general population. Although this variant has been seen in the general population, its frequency is low enough to be consistent with the frequency of a disease with incomplete penetrance. This variant has also been reported pathogenic by OMIM in ClinVar (Variation ID: 424845). Computational prediction tools and conservation analyses suggest that this variant may impact the protein, though this information is not predictive enough to determine pathogenicity. Additional computational prediction tools suggest a missense variant in the HK1 gene may not be tolerated. The p.Glu851Lys variant in HK1 has been reported in 43 Caucasian, American, Asian, French Canadian, and Sicilian individuals with Retinitis Pigmentosa and segregated with disease in 38 affected relatives from 10 families (PMID: 25316723, 25190649, 26427411, 28765615). In summary, although additional studies are required to fully establish its clinical significance, this variant is likely pathogenic. ACMG/AMP Criteria applied: PM2, PP2, PP3, PP1_Strong (Richards 2015).

PreventionGenetics, part of Exact Sciences
Classification: Pathogenic for HK1-related condition. Last evaluated: 2024-09-17. Review status: no assertion criteria provided. Collection method: clinical testing. Allele origin: germline. Not counted in ClinVar's aggregate classification.
Comment: The HK1 c.2539G>A variant is predicted to result in the amino acid substitution p.Glu847Lys. This variant (also described as p.Glu851Lys and p.Glu882Lys in alternate transcripts) has been reported and shown to co-segregate with disease in multiple individuals and families with autosomal dominant retinitis pigmentosa 79 (RP79) and related phenotypes (Sullivan et al. 2014. PubMed ID: 25190649; Wang et al. 2014. PubMed ID: 25316723; Yuan et al. 2017. PubMed ID: 28765615; Kubota et al. 2020. PubMed ID: 32814480; Table S2, Suga et al. 2022. PubMed ID: 36284460; Table S4, Panneman et al. 2023. PubMed ID: 36819107). This variant was also reported in the homozygous state in a severely affected individual (Sullivan et al. 2014. PubMed ID: 25190649), and incomplete penetrance (~85%) has been noted in at least one family (Wang et al. 2014. PubMed ID: 25316723). One functional study showed that this variant does not affect hexokinase enzymatic activity or protein stability (Wang et al. 2014. PubMed ID: 25316723). However, these results should be considered inconclusive at this time, since it remains unresolved whether p.Glu847Lys pathogenicity is due to mechanism other than HK1 haploinsufficiency (e.g., a dominant-negative or gain-of-function effect). This variant is reported in 0.011% of alleles in individuals of East Asian descent in gnomAD and has been interpreted as pathogenic and likely pathogenic by multiple laboratories in ClinVar. Taken together, this variant is interpreted as pathogenic.

OMIM
Classification: Pathogenic for RETINITIS PIGMENTOSA 79. Last evaluated: 2017-04-27. Review status: no assertion criteria provided. Collection method: literature only. Allele origin: germline. Not counted in ClinVar's aggregate classification.

Literature cited by the submitters: PubMed 25316723 (cited by 7 submitters); PubMed 25190649 (cited by 7 submitters); PubMed 26427411 (cited by 4 submitters); PubMed 28765615 (cited by 6 submitters); PubMed 29847639 (cited by Dasa and Institute of Human Genetics, Univ. Regensburg, Univ. Regensburg); PubMed 31621442 (cited by Dasa and Institute of Human Genetics, Univ. Regensburg, Univ. Regensburg); PubMed 32814480 (cited by Dasa and Institute of Human Genetics, Univ. Regensburg, Univ. Regensburg); PubMed 33165303 (cited by Institute of Human Genetics, Univ. Regensburg, Univ. Regensburg); PubMed 36284460 (cited by Institute of Human Genetics, Univ. Regensburg, Univ. Regensburg); PubMed 36672815 (cited by Institute of Human Genetics, Univ. Regensburg, Univ. Regensburg); PubMed 36819107 (cited by Institute of Human Genetics, Univ. Regensburg, Univ. Regensburg).